The following is an entry in ClinVar:

NM_005228.5(EGFR):c.1831G>A (p.Ala611Thr)

Gene: EGFR (epidermal growth factor receptor; plus strand). Cytogenetic location: 7p11.2.
Variant type: single nucleotide variant.
Coding change: c.1831G>A on transcript NM_005228.5 (MANE Select); coding-DNA position 1831, G replaced by A.
Protein change: p.Ala611Thr; replaces alanine 611 with threonine.
Molecular consequence: missense variant.
Genome position (GRCh38, 1-based): chr7:55,165,388, G>A. VCF-style: chr7-55165388-G-A. GRCh37 (hg19) VCF-style: chr7-55233081-G-A.
Other names: c.1696G>A, p.Ala566Thr (NM_001346897.2, NM_001346899.2); c.1831G>A, p.Ala611Thr (NM_001346898.2, NM_201282.2, NM_201284.2); c.1672G>A, p.Ala558Thr (NM_001346900.2); c.1030G>A, p.Ala344Thr (NM_001346941.2); short protein forms A611T, A558T, A344T, A566T.
Identifiers: ClinVar variation 942516 (VCV000942516.8), dbSNP rs201061916, ClinGen allele CA4265708.
Genomic context (GRCh38, chr7:55,165,388, plus strand): 5'-TGCGTCAAGACCTGCCCGGCAGGAGTCATGGGAGAAAACAACACCCTGGTCTGGAAGTAC[G>A]CAGACGCCGGCCATGTGTGCCACCTGTGCCATCCAAACTGCACCTACGGGTGAGTGGAAA-3'
Protein context (NP_005219.2, residues 601-621): GENNTLVWKY[Ala611Thr]DAGHVCHLCH

ClinVar aggregate classification (germline): Conflicting classifications of pathogenicity. Review status: criteria provided, conflicting classifications (1 of 4 stars). 2 submissions from 2 submitters: Uncertain significance (1); Likely benign (1). Last evaluated 2025-09-14.

Conditions:
EGFR-related lung cancer (EGFR). Identifiers: MedGen CN130014.
Hereditary cancer-predisposing syndrome. Also called: Hereditary neoplastic syndrome; Neoplastic Syndromes, Hereditary; Tumor predisposition; Hereditary Cancer Syndrome. Identifiers: Orphanet 140162, MedGen C0027672, MeSH D009386, MONDO:0015356.

Allele frequency attached by ClinVar (database versions not stated): ExAC 0.00001; gnomAD 0.00001; gnomAD exomes 0.00001 and 0.00002; TOPMed 0.00001.
gnomAD v4.1: 23 of 1,614,044 alleles (0.0014%); highest among the groups gnomAD compares: Non-Finnish European, 0.0017%; no homozygotes.

Submissions (2):

Labcorp Genetics (formerly Invitae), Labcorp
Classification: Uncertain significance for EGFR-related lung cancer. Last evaluated: 2025-09-14. Review status: criteria provided, single submitter. Criteria: Invitae Variant Classification Sherloc (09022015). Collection method: clinical testing. Allele origin: germline.
Comment: This sequence change replaces alanine, which is neutral and non-polar, with threonine, which is neutral and polar, at codon 611 of the EGFR protein (p.Ala611Thr). This variant is present in population databases (rs201061916, gnomAD 0.003%). This variant has not been reported in the literature in individuals affected with EGFR-related conditions. ClinVar contains an entry for this variant (Variation ID: 942516). Invitae Evidence Modeling of protein sequence and biophysical properties (such as structural, functional, and spatial information, amino acid conservation, physicochemical variation, residue mobility, and thermodynamic stability) indicates that this missense variant is not expected to disrupt EGFR protein function with a negative predictive value of 80%. In summary, the available evidence is currently insufficient to determine the role of this variant in disease. Therefore, it has been classified as a Variant of Uncertain Significance.

Ambry Genetics
Classification: Likely benign for Hereditary cancer-predisposing syndrome. Last evaluated: 2024-10-17. Review status: criteria provided, single submitter. Criteria: Ambry Variant Classification Scheme 2023. Collection method: clinical testing. Allele origin: germline.